The following is an entry in ClinVar:

ClinVar aggregate classification (germline): Uncertain significance. Review status: criteria provided, multiple submitters, no conflicts (2 of 4 stars). 2 submissions from 2 submitters: Uncertain significance (2). Last evaluated 2024-08-13.

Conditions:
Hereditary cancer-predisposing syndrome. Also called: Hereditary neoplastic syndrome; Neoplastic Syndromes, Hereditary; Hereditary Cancer Syndrome; Tumor predisposition. Identifiers: Orphanet 140162, MedGen C0027672, MeSH D009386, MONDO:0015356.

Submissions (2):

Quest Diagnostics Nichols Institute San Juan Capistrano
Classification: Uncertain significance. Last evaluated: 2024-08-13. Review status: criteria provided, single submitter. Criteria: Quest Diagnostics criteria. Collection method: clinical testing. Allele origin: unknown.
Comment: The RAD50 c.2979C>A (p.His993Gln) variant has not been reported in individuals with RAD50-related conditions in the published literature. It also has not been reported in large, multi-ethnic general populations (Genome Aggregation Database). Analysis of this variant using bioinformatics tools for the prediction of the effect of amino acid changes on protein structure and function yielded predictions that this variant is benign. Based on the available information, we are unable to determine the clinical significance of this variant.

Labcorp Genetics (formerly Invitae), Labcorp
Classification: Uncertain significance for Hereditary cancer-predisposing syndrome. Last evaluated: 2021-12-02. Review status: criteria provided, single submitter. Criteria: Invitae Variant Classification Sherloc (09022015). Collection method: clinical testing. Allele origin: germline.
Comment: This variant is not present in population databases (gnomAD no frequency). In summary, the available evidence is currently insufficient to determine the role of this variant in disease. Therefore, it has been classified as a Variant of Uncertain Significance. Algorithms developed to predict the effect of missense changes on protein structure and function output the following: SIFT: "Tolerated"; PolyPhen-2: "Benign"; Align-GVGD: "Class C0". The glutamine amino acid residue is found in multiple mammalian species, which suggests that this missense change does not adversely affect protein function. This variant has not been reported in the literature in individuals affected with RAD50-related conditions. This sequence change replaces histidine, which is basic and polar, with glutamine, which is neutral and polar, at codon 993 of the RAD50 protein (p.His993Gln).

NM_005732.4(RAD50):c.2979C>A (p.His993Gln)

Gene: RAD50 (RAD50 double strand break repair protein; plus strand). Cytogenetic location: 5q31.1.
Variant type: single nucleotide variant.
Coding change: c.2979C>A on transcript NM_005732.4 (MANE Select); coding-DNA position 2979, C replaced by A.
Protein change: p.His993Gln; replaces histidine 993 with glutamine.
Molecular consequence: missense variant.
Genome position (GRCh38, 1-based): chr5:132,609,339, C>A. VCF-style: chr5-132609339-C-A. GRCh37 (hg19) VCF-style: chr5-131945031-C-A.
Other names: c.2979C>A (NM_005732.3); short protein forms H993Q.
Identifiers: ClinVar variation 1485447 (VCV001485447.7), dbSNP rs1060504403, ClinGen allele CA360960662.